The following is an entry in ClinVar:

NM_001330288.2(SMARCC2):c.435C>G (p.Cys145Trp)

Gene: SMARCC2 (SWI/SNF related BAF chromatin remodeling complex subunit C2; minus strand). Cytogenetic location: 12q13.2.
Variant type: single nucleotide variant.
Coding change: c.435C>G on transcript NM_001330288.2 (MANE Select); coding-DNA position 435, C replaced by G.
Protein change: p.Cys145Trp; replaces cysteine 145 with tryptophan.
Molecular consequence: missense variant.
Genome position (GRCh38, 1-based): chr12:56,184,901, G>C on the plus strand (C>G on the coding strand, the complement: SMARCC2 is on the minus strand). VCF-style: chr12-56184901-G-C. GRCh37 (hg19) VCF-style: chr12-56578685-G-C.
Other names: c.435C>G, p.Cys145Trp (NM_001130420.3, NM_003075.5, NM_139067.4); short protein forms C145W.
Identifiers: ClinVar variation 2431019 (VCV002431019.1), dbSNP rs1204846124, ClinGen allele CA385356558.

ClinVar aggregate classification (germline): Uncertain significance (1 of 4 stars; one submission).

Submission:

GeneDx
Classification: Uncertain significance. Last evaluated: 2022-08-24. Review status: criteria provided, single submitter. Criteria: GeneDx Variant Classification Process June 2021. Collection method: clinical testing. Allele origin: germline. Affected: yes.
Comment: Not observed at significant frequency in large population cohorts (gnomAD); In silico analysis supports that this missense variant does not alter protein structure/function; Has not been previously published as pathogenic or benign to our knowledge